The following is an entry in ClinVar:

ClinVar aggregate classification (germline): Conflicting classifications of pathogenicity. Review status: criteria provided, conflicting classifications (1 of 4 stars). 2 submissions from 2 submitters: Uncertain significance (1); Likely benign (1). Last evaluated 2024-09-01.

Conditions:
Developmental and epileptic encephalopathy, 14 (DEE14). Also called: Early infantile epileptic encephalopathy 14. Identifiers: Orphanet 293181, MedGen C3554195, MONDO:0013989, OMIM 614959.
Autosomal dominant nocturnal frontal lobe epilepsy 5. Also called: KCNT1-Related Epilepsy; CILIARY DYSKINESIA, PRIMARY, 28, WITHOUT SITUS INVERSUS; CILIARY DYSKINESIA, PRIMARY, 28, WITH SITUS INVERSUS; Epilepsy, nocturnal frontal lobe, 5. Identifiers: Orphanet 98784, MedGen C3554306, MONDO:0014002, OMIM 615005.

Allele frequency attached by ClinVar (database versions not stated): gnomAD exomes 0.00001; ExAC 0.00002.
gnomAD v4.1: 12 of 1,603,196 alleles (0.00075%); highest among the groups gnomAD compares: East Asian, 0.0022%; no homozygotes.

Submissions (2):

Labcorp Genetics (formerly Invitae), Labcorp
Classification: Uncertain significance for Autosomal dominant nocturnal frontal lobe epilepsy 5; Developmental and epileptic encephalopathy, 14. Last evaluated: 2024-09-01. Review status: criteria provided, single submitter. Criteria: Invitae Variant Classification Sherloc (09022015). Collection method: clinical testing. Allele origin: germline.
Comment: This sequence change falls in intron 4 of the KCNT1 gene. It does not directly change the encoded amino acid sequence of the KCNT1 protein. This variant is present in population databases (rs778629667, gnomAD 0.003%). This variant has not been reported in the literature in individuals affected with KCNT1-related conditions. ClinVar contains an entry for this variant (Variation ID: 386999). Algorithms developed to predict the effect of sequence changes on RNA splicing suggest that this variant may create or strengthen a splice site. In summary, the available evidence is currently insufficient to determine the role of this variant in disease. Therefore, it has been classified as a Variant of Uncertain Significance.

GeneDx
Classification: Likely benign. Last evaluated: 2016-06-21. Review status: criteria provided, single submitter. Criteria: GeneDx Variant Classification (06012015). Collection method: clinical testing. Allele origin: germline. Affected: yes.
Comment: This variant is considered likely benign or benign based on one or more of the following criteria: it is a conservative change, it occurs at a poorly conserved position in the protein, it is predicted to be benign by multiple in silico algorithms, and/or has population frequency not consistent with disease.

NM_020822.3(KCNT1):c.434+15C>T

Gene: KCNT1 (potassium sodium-activated channel subfamily T member 1; plus strand). Cytogenetic location: 9q34.3.
Variant type: single nucleotide variant.
Coding change: c.434+15C>T on transcript NM_020822.3 (MANE Select); 15 bases into the intron after coding-DNA position 434, C replaced by T.
Molecular consequence: intron variant.
Genome position (GRCh38, 1-based): chr9:135,751,056, C>T. VCF-style: chr9-135751056-C-T. GRCh37 (hg19) VCF-style: chr9-138642902-C-T.
Other names: c.290+15C>T (NM_001272003.2).
Identifiers: ClinVar variation 386999 (VCV000386999.3), dbSNP rs778629667, ClinGen allele CA5326411.
Genomic context (GRCh38, chr9:135,751,056, plus strand): 5'-ACATTGTGCGCGTCCTGCTCGATGACCCGGCCCTGGGCATCGGATGGTGGGCCACGTGCG[C>T]GGCCGGGCGCGGGGTCCCGGGTCCCAGGGCTGAGCCTTCCCACTGGGCCGTTACAGAAGC-3'